The following is an entry in ClinVar:

ClinVar aggregate classification (germline): Uncertain significance (1 of 4 stars; one submission).

Submission:

Ambry Genetics
Classification: Uncertain significance. Last evaluated: 2021-08-24. Review status: criteria provided, single submitter. Criteria: Ambry Variant Classification Scheme 2023. Collection method: clinical testing. Allele origin: germline.
Comment: The p.S318N variant (also known as c.953G>A), located in coding exon 9 of the RAD54L gene, results from a G to A substitution at nucleotide position 953. The serine at codon 318 is replaced by asparagine, an amino acid with highly similar properties. This amino acid position is conserved. In addition, this alteration is predicted to be tolerated by in silico analysis. Since supporting evidence is limited at this time, the clinical significance of this alteration remains unclear.

NM_003579.4(RAD54L):c.953G>A (p.Ser318Asn)

Gene: RAD54L (RAD54 like; plus strand). Cytogenetic location: 1p34.1.
Variant type: single nucleotide variant.
Coding change: c.953G>A on transcript NM_003579.4 (MANE Select); coding-DNA position 953, G replaced by A.
Protein change: p.Ser318Asn; replaces serine 318 with asparagine.
Molecular consequence: missense variant.
Genome position (GRCh38, 1-based): chr1:46,267,520, G>A. VCF-style: chr1-46267520-G-A. GRCh37 (hg19) VCF-style: chr1-46733192-G-A.
Other names: c.953G>A, p.Ser318Asn (NM_001142548.2); c.413G>A, p.Ser138Asn (NM_001370766.1); short protein forms S138N, S318N.
Identifiers: ClinVar variation 1767310 (VCV001767310.2), dbSNP rs1324494132, ClinGen allele CA340192316.